The following is an entry in ClinVar:

ClinVar aggregate classification (germline): Uncertain significance. Review status: criteria provided, multiple submitters, no conflicts (2 of 4 stars). 2 submissions from 2 submitters: Uncertain significance (2). Last evaluated 2025-11-11.

Allele frequency attached by ClinVar (database versions not stated): ExAC 0.00001; gnomAD 0.00001; gnomAD exomes 0.00002 and 0.00003; TOPMed 0.00002.

Submissions (2):

Labcorp Genetics (formerly Invitae), Labcorp
Classification: Uncertain significance. Last evaluated: 2025-11-11. Review status: criteria provided, single submitter. Criteria: Invitae Variant Classification Sherloc (09022015). Collection method: clinical testing. Allele origin: germline.
Comment: This sequence change replaces leucine, which is neutral and non-polar, with valine, which is neutral and non-polar, at codon 41 of the OAS1 protein (p.Leu41Val). This variant is present in population databases (rs761951929, gnomAD 0.004%). This variant has not been reported in the literature in individuals affected with OAS1-related conditions. ClinVar contains an entry for this variant (Variation ID: 1428970). An algorithm developed to predict the effect of missense changes on protein structure and function (PolyPhen-2) suggests that this variant is likely to be disruptive. In summary, the available evidence is currently insufficient to determine the role of this variant in disease. Therefore, it has been classified as a Variant of Uncertain Significance.

Ambry Genetics
Classification: Uncertain significance. Last evaluated: 2023-11-21. Review status: criteria provided, single submitter. Criteria: Ambry Variant Classification Scheme 2023. Collection method: clinical testing. Allele origin: germline.

NM_016816.4(OAS1):c.121C>G (p.Leu41Val)

Genes: OAS1 (2'-5'-oligoadenylate synthetase 1; plus strand), LOC130008812 (ATAC-STARR-seq lymphoblastoid active region 7052; plus strand). Cytogenetic location: 12q24.13.
Variant type: single nucleotide variant.
Coding change: c.121C>G on transcript NM_016816.4 (MANE Select); coding-DNA position 121, C replaced by G.
Protein change: p.Leu41Val; replaces leucine 41 with valine.
Molecular consequence: missense variant.
Genome position (GRCh38, 1-based): chr12:112,907,160, C>G. VCF-style: chr12-112907160-C-G. GRCh37 (hg19) VCF-style: chr12-113344965-C-G.
Other names: c.121C>G, p.Leu41Val (NM_001032409.3, NM_001320151.2, NM_002534.4); c.121C>G (NM_016816.2); short protein forms L41V.
Identifiers: ClinVar variation 1428970 (VCV001428970.9), dbSNP rs761951929, ClinGen allele CA6799683.